The following is an entry in ClinVar:

ClinVar aggregate classification (germline): Likely benign. Review status: criteria provided, single submitter (1 of 4 stars). 2 submissions from 2 submitters: Likely benign (1). 1 of the submissions does not count toward it. Last evaluated 2018-05-09.

Conditions:
HDLBP-related disorder. Also called: HDLBP-related condition.

Allele frequency attached by ClinVar (database versions not stated): ExAC 0.00012; gnomAD exomes 0.00015 and 0.00041; gnomAD 0.00017 and 0.00019; TOPMed 0.00026; ESP Exome Variant Server 0.00046.
gnomAD v4.1: 622 of 1,613,234 alleles (0.039%); highest among the groups gnomAD compares: Non-Finnish European, 0.049%; 1 homozygote.

Submissions (2):

Labcorp Genetics (formerly Invitae), Labcorp
Classification: Likely benign. Last evaluated: 2018-05-09. Review status: criteria provided, single submitter. Criteria: Invitae Variant Classification Sherloc (09022015). Collection method: clinical testing. Allele origin: germline.

PreventionGenetics, part of Exact Sciences
Classification: Likely benign for HDLBP-related condition. Last evaluated: 2023-06-02. Review status: no assertion criteria provided. Collection method: clinical testing. Allele origin: germline. Not counted in ClinVar's aggregate classification.
Comment: This variant is classified as likely benign based on ACMG/AMP sequence variant interpretation guidelines (Richards et al. 2015 PMID: 25741868, with internal and published modifications).

NM_005336.6(HDLBP):c.3531G>A (p.Thr1177=)

Genes: ANO7 (anoctamin 7; plus strand), HDLBP (high density lipoprotein binding protein; minus strand). Cytogenetic location: 2q37.3.
Variant type: single nucleotide variant.
Coding change: c.3531G>A on transcript NM_005336.6 (MANE Select); coding-DNA position 3531, G replaced by A.
Protein change: p.Thr1177=; no amino-acid change (threonine 1177 retained).
Molecular consequence: synonymous variant.
Genome position (GRCh38, 1-based): chr2:241,230,213, C>T on the plus strand (G>A on the coding strand, the complement: HDLBP is on the minus strand). VCF-style: chr2-241230213-C-T. GRCh37 (hg19) VCF-style: chr2-242169628-C-T.
Other names: c.3432G>A, p.Thr1144= (NM_001243900.3); c.3531G>A, p.Thr1177= (NM_001320965.3, NM_001320966.3, NM_001320967.3 and 1 more transcripts); c.3531G>A (NM_001320966.1).
Identifiers: ClinVar variation 742799 (VCV000742799.5), dbSNP rs144621012, ClinGen allele CA2215953.